The following is an entry in ClinVar:

ClinVar aggregate classification (germline): Conflicting classifications of pathogenicity. Review status: criteria provided, conflicting classifications (1 of 4 stars). 5 submissions from 5 submitters: Uncertain significance (1); Likely benign (3). 1 of the submissions does not count toward it. Last evaluated 2026-04-01.

Conditions:
ADGRG1-related disorder. Also called: ADGRG1-related condition.
Bilateral frontoparietal polymicrogyria. Also called: CORTICAL DYSPLASIA, COMPLEX, WITH OTHER BRAIN MALFORMATIONS 14A (BILATERAL FRONTOPARIETAL); CEREBELLAR ATAXIA WITH NEURONAL MIGRATION DEFECT. Identifiers: Orphanet 101070, MedGen C1847352, MONDO:0011738, OMIM 606854.

Allele frequency attached by ClinVar (database versions not stated): gnomAD 0.00011; TOPMed 0.00013; ESP Exome Variant Server 0.00015.
gnomAD v4.1: 148 of 1,614,046 alleles (0.0092%); highest among the groups gnomAD compares: African/African-American, 0.025%; 1 homozygote.

Submissions (5):

CeGaT Center for Human Genetics Tuebingen
Classification: Likely benign. Last evaluated: 2026-04-01. Review status: criteria provided, single submitter. Criteria: CeGaT Center For Human Genetics Tuebingen Variant Classification Criteria Version 2. Collection method: clinical testing. Allele origin: germline. Affected: yes. Observed: 1 variant allele.
Comment: ADGRG1: BP4, BP7

Labcorp Genetics (formerly Invitae), Labcorp
Classification: Likely benign. Last evaluated: 2025-03-05. Review status: criteria provided, single submitter. Criteria: Invitae Variant Classification Sherloc (09022015). Collection method: clinical testing. Allele origin: germline.

Illumina Laboratory Services, Illumina
Classification: Uncertain significance for Bilateral frontoparietal polymicrogyria. Last evaluated: 2018-01-12. Review status: criteria provided, single submitter. Criteria: ICSL Variant Classification Criteria 13 December 2019. Collection method: clinical testing. Allele origin: germline.

Genetic Services Laboratory, University of Chicago
Classification: Likely benign. Last evaluated: 2016-08-30. Review status: criteria provided, single submitter. Criteria: ACMG Guidelines, 2015. Collection method: clinical testing. Allele origin: germline. Affected: no.

PreventionGenetics, part of Exact Sciences
Classification: Likely benign for ADGRG1-related condition. Last evaluated: 2021-04-22. Review status: no assertion criteria provided. Collection method: clinical testing. Allele origin: germline. Not counted in ClinVar's aggregate classification.
Comment: This variant is classified as likely benign based on ACMG/AMP sequence variant interpretation guidelines (Richards et al. 2015 PMID: 25741868, with internal and published modifications).

NM_201525.4(ADGRG1):c.402G>A (p.Pro134=)

Gene: ADGRG1 (adhesion G protein-coupled receptor G1; plus strand). Cytogenetic location: 16q21.
Variant type: single nucleotide variant.
Coding change: c.402G>A on transcript NM_201525.4 (MANE Select); coding-DNA position 402, G replaced by A.
Protein change: p.Pro134=; no amino-acid change (proline 134 retained).
Molecular consequence: synonymous variant. On other transcripts: 5 prime UTR variant (5), intron variant (1).
Genome position (GRCh38, 1-based): chr16:57,651,537, G>A. VCF-style: chr16-57651537-G-A. GRCh37 (hg19) VCF-style: chr16-57685449-G-A.
Other names: c.402G>A, p.Pro134= (NM_001145770.3, NM_001145771.3, NM_001145772.3 and 16 more transcripts); c.417G>A, p.Pro139= (NM_001145773.3, NM_001370433.1); c.-124G>A (NM_001290143.2, NM_001290144.2, NM_001370451.1 and 2 more transcripts); c.246G>A, p.Pro82= (NM_001370442.1); c.110+292G>A (NM_001290142.2).
Identifiers: ClinVar variation 435353 (VCV000435353.23), dbSNP rs149607882, ClinGen allele CA8078351.
Genomic context (GRCh38, chr16:57,651,537, plus strand): 5'-CAAAGCCTCTAGCCTCCTCTGCTTCCAGCACCAGGAGGAGAGCCTGGCTCAGGGCCCCCC[G>A]CTGTTAGCCACTTCTGTCACCTCCTGGTGGAGCCCTCAGAACATCAGCCTGCCCAGTGCC-3'
Protein context (NP_958933.1, residues 124-144): HQEESLAQGP[Pro134=]LLATSVTSWW